The following is an entry in ClinVar:

ClinVar aggregate classification (germline): Uncertain significance (1 of 4 stars; one submission).

Conditions:
Predisposition to invasive fungal disease due to CARD9 deficiency (IMD103). Also called: CARD9 IMMUNODEFICIENCY; IMMUNODEFICIENCY 103, SUSCEPTIBILITY TO FUNGAL INFECTIONS; Candidiasis, familial, 2, autosomal recessive. Identifiers: Orphanet 457088, MedGen C1859353, MONDO:0008905, OMIM 212050.

Submission:

Labcorp Genetics (formerly Invitae), Labcorp
Classification: Uncertain significance for Predisposition to invasive fungal disease due to CARD9 deficiency. Last evaluated: 2022-04-01. Review status: criteria provided, single submitter. Criteria: Invitae Variant Classification Sherloc (09022015). Collection method: clinical testing. Allele origin: germline.
Comment: In summary, the available evidence is currently insufficient to determine the role of this variant in disease. Therefore, it has been classified as a Variant of Uncertain Significance. Algorithms developed to predict the effect of missense changes on protein structure and function (SIFT, PolyPhen-2, Align-GVGD) all suggest that this variant is likely to be tolerated. This variant has not been reported in the literature in individuals affected with CARD9-related conditions. This variant is not present in population databases (gnomAD no frequency). This sequence change replaces alanine, which is neutral and non-polar, with valine, which is neutral and non-polar, at codon 331 of the CARD9 protein (p.Ala331Val).

NM_052813.5(CARD9):c.992C>T (p.Ala331Val)

Gene: CARD9 (caspase recruitment domain family member 9; minus strand). Cytogenetic location: 9q34.3.
Variant type: single nucleotide variant.
Coding change: c.992C>T on transcript NM_052813.5 (MANE Select); coding-DNA position 992, C replaced by T.
Protein change: p.Ala331Val; replaces alanine 331 with valine.
Molecular consequence: missense variant.
Genome position (GRCh38, 1-based): chr9:136,369,835, G>A on the plus strand (C>T on the coding strand, the complement: CARD9 is on the minus strand). VCF-style: chr9-136369835-G-A. GRCh37 (hg19) VCF-style: chr9-139264287-G-A.
Other names: c.992C>T, p.Ala331Val (NM_052814.4); short protein forms A331V.
Identifiers: ClinVar variation 2118521 (VCV002118521.4), dbSNP rs2538665858, ClinGen allele CA375543568.